The following is an entry in ClinVar:

NM_004548.3(NDUFB10):c.51G>A (p.Thr17=)

Gene: NDUFB10 (NADH:ubiquinone oxidoreductase subunit B10; plus strand). Cytogenetic location: 16p13.3.
Variant type: single nucleotide variant.
Coding change: c.51G>A on transcript NM_004548.3 (MANE Select); coding-DNA position 51, G replaced by A.
Protein change: p.Thr17=; no amino-acid change (threonine 17 retained).
Molecular consequence: synonymous variant.
Genome position (GRCh38, 1-based): chr16:1,959,675, G>A. VCF-style: chr16-1959675-G-A. GRCh37 (hg19) VCF-style: chr16-2009676-G-A.
Identifiers: ClinVar variation 4823469 (VCV004823469.4).
Genomic context (GRCh38, chr16:1,959,675, plus strand): 5'-CGCCGCCGCCATGCCGGACAGCTGGGACAAGGATGTGTACCCTGAGCCCCCGCGCCGCAC[G>A]CCGGTGCAGCCCAATCCCATCGTCTACATGATGAAAGCGTTCGACCTCATCGTGGACCGA-3'
Protein context (NP_004539.1, residues 7-27): KDVYPEPPRR[Thr17=]PVQPNPIVYM

ClinVar aggregate classification (germline): Likely benign (1 of 4 stars; one submission).

gnomAD v4.1: 1 of 1,612,978 alleles (0.000062%); highest among the groups gnomAD compares: Non-Finnish European, 0.000085%; no homozygotes.

Submission:

CeGaT Center for Human Genetics Tuebingen
Classification: Likely benign. Last evaluated: 2026-02-01. Review status: criteria provided, single submitter. Criteria: CeGaT Center For Human Genetics Tuebingen Variant Classification Criteria Version 2. Collection method: clinical testing. Allele origin: germline. Affected: yes. Observed: 1 variant allele.
Comment: NDUFB10: BP4, BP7